The following is an entry in ClinVar:

NM_006912.6(RIT1):c.289A>C (p.Ile97Leu)

Gene: RIT1 (Ras like without CAAX 1; minus strand). Cytogenetic location: 1q22.
Variant type: single nucleotide variant.
Coding change: c.289A>C on transcript NM_006912.6 (MANE Select); coding-DNA position 289, A replaced by C.
Protein change: p.Ile97Leu; replaces isoleucine 97 with leucine.
Molecular consequence: missense variant.
Genome position (GRCh38, 1-based): chr1:155,904,451, T>G on the plus strand (A>C on the coding strand, the complement: RIT1 is on the minus strand). VCF-style: chr1-155904451-T-G. GRCh37 (hg19) VCF-style: chr1-155874242-T-G.
Other names: c.181A>C, p.Ile61Leu (NM_001256820.2); c.340A>C, p.Ile114Leu (NM_001256821.2); short protein forms I114L, I61L, I97L.
Identifiers: ClinVar variation 1797382 (VCV001797382.2), dbSNP rs2527180476, ClinGen allele CA342802698.

ClinVar aggregate classification (germline): Uncertain significance (1 of 4 stars; one submission).

Conditions:
Cardiovascular phenotype. Identifiers: MedGen CN230736.

Submission:

Ambry Genetics
Classification: Uncertain significance for Cardiovascular phenotype. Last evaluated: 2022-03-04. Review status: criteria provided, single submitter. Criteria: Ambry Variant Classification Scheme 2023. Collection method: clinical testing. Allele origin: germline.
Comment: The p.I97L variant (also known as c.289A>C), located in coding exon 4 of the RIT1 gene, results from an A to C substitution at nucleotide position 289. The isoleucine at codon 97 is replaced by leucine, an amino acid with highly similar properties. This amino acid position is conserved. In addition, the in silico prediction for this alteration is inconclusive. Since supporting evidence is limited at this time, the clinical significance of this alteration remains unclear.